The following is an entry in ClinVar:

NM_000552.5(VWF):c.658-3C>A

Gene: VWF (von Willebrand factor; minus strand). Cytogenetic location: 12p13.31.
Variant type: single nucleotide variant.
Coding change: c.658-3C>A on transcript NM_000552.5 (MANE Select); 3 bases into the intron before coding-DNA position 658, C replaced by A.
Molecular consequence: intron variant.
Genome position (GRCh38, 1-based): chr12:6,075,554, G>T on the plus strand (C>A on the coding strand, the complement: VWF is on the minus strand). VCF-style: chr12-6075554-G-T. GRCh37 (hg19) VCF-style: chr12-6184720-G-T.
Other names: p.?.
Identifiers: ClinVar variation 626934 (VCV000626934.17), dbSNP rs377196768, ClinGen allele CA6403713.

ClinVar aggregate classification (germline): Conflicting classifications of pathogenicity. Review status: criteria provided, conflicting classifications (1 of 4 stars). 9 submissions from 8 submitters: Pathogenic (1); Likely pathogenic (2); Uncertain significance (5). 1 of the submissions does not count toward it. Last evaluated 2026-10-07.

Conditions:
Reduced quantity of Von Willebrand factor. Identifiers: MedGen C4023022, HP:0012147.
Reduced von Willebrand factor activity. Identifiers: MedGen C4024701, HP:0008330.
von Willebrand disease type 1 (VWD1). Also called: VON WILLEBRAND DISEASE, TYPE I; VWD, TYPE 1. Identifiers: Orphanet 166078, Orphanet 903, MedGen C1264039, MONDO:0008668, OMIM 193400. Inheritance: autosomal recessive or autosomal dominant.
von Willebrand disease type 3 (VWD3). Also called: Type 3 Von Willebrand's disease; Type 3 VWD; Von Willebrand disease, severe form; V WD3; VON WILLEBRAND DISEASE, TYPE III. Identifiers: Orphanet 166096, MedGen C1264041, MONDO:0010191, OMIM 277480.
Hereditary von Willebrand disease. Identifiers: Orphanet 903, MedGen C5703318, MONDO:0019565. Inheritance: Autosomal recessive or Autosomal dominant.

Allele frequency attached by ClinVar (database versions not stated): ExAC 0.00004; gnomAD exomes 0.00003 and 0.00009; gnomAD 0.00007; ESP Exome Variant Server 0.00023; TOPMed 0.00007.
gnomAD v4.1: 142 of 1,612,800 alleles (0.0088%); highest among the groups gnomAD compares: Non-Finnish European, 0.011%; no homozygotes.

Submissions (9):

GeneDx
Classification: Uncertain significance. Last evaluated: 2026-10-07. Review status: criteria provided, single submitter. Criteria: GeneDx Variant Classification Process June 2021. Collection method: clinical testing. Allele origin: germline.
Comment: In silico analysis supports a deleterious effect on splicing; This variant is associated with the following publications: (PMID: 26917779, 32581362, 23647798, 26986123, 31064749, 19372260, 30488424)

Women's Health and Genetics/Laboratory Corporation of America, LabCorp
Classification: Uncertain significance. Last evaluated: 2025-11-05. Review status: criteria provided, single submitter. Criteria: LabCorp Variant Classification Summary - May 2015. Collection method: clinical testing. Allele origin: germline.
Comment: Variant summary: VWF c.658-3C>A alters a non-conserved nucleotide located close to a canonical splice site and therefore could affect mRNA splicing, leading to a significantly altered protein sequence. Several computational tools predict a significant impact on normal splicing: One predict the variant abolishes the canonical 3' acceptor site. Three predict the variant weakens the canonical 3' acceptor site. However, these predictions have yet to be confirmed by functional studies. The variant allele was found at a frequency of 3.3e-05 in 244554 control chromosomes. c.658-3C>A has been reported in the literature in individuals affected with Von Willebrand Disease, and coagulation disorders along with a second potentially causative variant (example: Kumar_2013, Downes_2019). These data indicate that the variant may be associated with disease. To our knowledge, no experimental evidence demonstrating an impact on protein function has been reported. The following publications have been ascertained in the context of this evaluation (PMID: 31064749, 23647798, 26917779, 32581362, 26986123). ClinVar contains an entry for this variant (Variation ID: 626934). Based on the evidence outlined above, the variant was classified as VUS-possibly pathogenic.

Victorian Clinical Genetics Services, Murdoch Childrens Research Institute
Classification: Uncertain significance for von Willebrand disease type 1. Last evaluated: 2024-11-22. Review status: criteria provided, single submitter. Criteria: ACMG Guidelines, 2015. Collection method: clinical testing. Allele origin: germline.
Comment: This variant is classified as VUS-3A. Evidence in support of pathogenic classification: Non-canonical splice site variant without proven consequence on splicing (no functional evidence available); Variant is present in gnomAD <0.01 (v4: 142 heterozygote(s), 0 homozygote(s)). Additional information: This variant is heterozygous; This gene is associated with both recessive and dominant disease. VWD can be both dominantly and recessively inherited, and is categorised into six different types: 1 (MIM#193400), 2A, 2B, 2M, 2N (MIM#613554) and 3 (MIM#277480); Previous reports of pathogenicity for this variant are conflicting. This variant has been classified as VUS, likely pathogenic and pathogenic by clinical laboratories in ClinVar. It has also been reported in the literature in heterozygous, compound heterozygous and homozygous individuals with type 1 and type 3 von Willibrand disease (PMIDs: 32581362, 26986123, 31064749, 23647798); No published segregation evidence has been identified for this variant; No comparable non-canonical splice site variants have previous evidence for pathogenicity; in silico prediction for abnormal splicing are conflicting; Dominant negative, gain of function and loss of function are known mechanisms of disease in this gene and are associated with von Willebrand disease (VWD) (OMIM, PMID: 30488424). - The condition associated with this gene has incomplete penetrance (PMID: 19372260); Variants in this gene are known to have variable expressivity (PMID: 19372260).

Mayo Clinic Laboratories, Mayo Clinic
Classification: Uncertain significance. Last evaluated: 2024-10-28. Review status: criteria provided, single submitter. Criteria: ACMG Guidelines, 2015. Collection method: clinical testing. Allele origin: germline. Observed: 3 variant alleles.
Comment: PM2_supporting, PM3_supporting, PS4_moderate

Versiti Diagnostic Laboratories, Versiti, Inc
Classification: Pathogenic for von Willebrand disease type 1; von Willebrand disease type 3. Last evaluated: 2024-04-10. Review status: criteria provided, single submitter. Criteria: Versiti Assertion Criteria. Collection method: clinical testing. Allele origin: germline. Affected: yes.
Comment: The intronic variant VWF c.658-3C>A alters the consensus acceptor splice site and is predicted to lead to abnormal gene splicing but the specific change to the protein is uncertain (p.?). The cytosine at this position is highly conserved among species. Pathogenic variants in VWF are associated with autosomal dominant or autosomal recessive von Willebrand disease (VWD), characterized by quantitative or qualitative deficiencies in von Willebrand factor and resulting in prolonged bleeding. This sequence variant has been previously reported in the heterozygous state in patients with quantitative type 1 VWD and in the compound heterozygous state in patients with type 3 VWD (PMID:23647798; PMID:26917779; PMID:26986123; PMID:31064749). This variant was seen in 21 individuals within our laboratory cohort. Of the 20 patients that had this variant in the heterozygous state, 6 patients had only this VWF variant identified (deletion/duplication analysis not performed: variant was identified either through targeted familial testing, Sanger sequencing, or next generation sequencing). Of these 6 individuals, VWF levels were available for 4 and reported VWF antigens ranged from 2-69 IU/dL, VWF activities ranged from 2-59 IU/dL, factor VIII activities ranged from 24-114 IU/dL, and VWF multimers were all normal. 11 patients in which this variant was identified had another VWF variant classified as either likely pathogenic or pathogenic by our laboratory (phasing unknown). VWF antigen and activity levels were received for 9 out of 11 of these patients and the reported VWF antigens were <=10, while the reported VWF activities were all <25. The remaining 3 patients had additional VWF variant(s) identified which were classified as variant(s) of uncertain significance by our laboratory (phasing unknown). The minor allele frequency of this variant in the general population is 0.00003986 (GnomAD). No functional data is available for this variant. In summary, the collective evidence supports VWF c.658-3C>A, as a pathogenic variant with respect to quantitative von Willebrand disease.

Genetics and Molecular Pathology, SA Pathology
Classification: Likely pathogenic for von Willebrand disease type 3. Last evaluated: 2022-05-27. Review status: criteria provided, single submitter. Criteria: ACMG Guidelines, 2015. Collection method: clinical testing. Allele origin: germline. Inheritance: Autosomal recessive inheritance. Affected: yes.

NIHR Bioresource Rare Diseases, University of Cambridge
Classification: Likely pathogenic for von Willebrand disorder. Last evaluated: 2019-02-01. Review status: criteria provided, single submitter. Criteria: ACMG Guidelines, 2015. Collection method: research. Allele origin: unknown. Affected: yes. Observed: 1 heterozygote, 1 compound heterozygote, 1 homozygote. Study: ThromboGenomics.

Quest Diagnostics Nichols Institute San Juan Capistrano
Classification: Uncertain significance. Last evaluated: 2018-11-02. Review status: criteria provided, single submitter. Criteria: Quest Diagnostics criteria. Collection method: clinical testing. Allele origin: germline.

NIHR Bioresource Rare Diseases, University of Cambridge
Classification: Pathogenic for Reduced von Willebrand factor activity; Reduced quantity of Von Willebrand factor. Review status: no assertion criteria provided. Collection method: research. Allele origin: unknown. Affected: yes. Observed: 1 variant allele. Not counted in ClinVar's aggregate classification.

Literature cited by the submitters: PubMed 32581362 (cited by 4 submitters); PubMed 31064749 (cited by 5 submitters); PubMed 26986123 (cited by 5 submitters); PubMed 26917779 (cited by Women's Health and Genetics/Laboratory Corporation of America, LabCorp and Versiti Diagnostic Laboratories, Versiti, Inc); PubMed 23647798 (cited by 5 submitters); PubMed 19372260 (cited by Victorian Clinical Genetics Services, Murdoch Childrens Research Institute); PubMed 30488424 (cited by Victorian Clinical Genetics Services, Murdoch Childrens Research Institute).